The following is an entry in ClinVar:

ClinVar aggregate classification (germline): Uncertain significance. Review status: reviewed by expert panel (3 of 4 stars). 2 submissions from 2 submitters: Uncertain significance (1). 1 of the submissions does not count toward it. Last evaluated 2024-06-10.

Conditions:
Mitochondrial disease. Also called: Mitochondrial disorder; Mitochondrial disorders. Identifiers: Orphanet 68380, MedGen C0751651, MeSH D028361, MONDO:0044970.
External ophthalmoplegia (CPEO). Identifiers: MedGen C0162292, HP:0000544.

Submissions (2):

ClinGen Mitochondrial Disease Nuclear and Mitochondrial  Variant Curation Expert Panel, ClinGen
Classification: Uncertain significance for Mitochondrial disease. Last evaluated: 2024-06-10. Review status: reviewed by expert panel. Criteria: clingen mito disease acmg specifications v1-1. Collection method: curation. Allele origin: germline. Inheritance: Mitochondrial inheritance.
Comment: The m.5667G>A variant in MT-TN has been reported in two individuals with primary mitochondrial disease (PS4_supporting; PMIDs: 23847141, 30962064). Minimal clinical details were provided on the first reported individual however this person was reported to have features consistent with mitochondrial disease, ptosis, ragged red fibers, and COX-negative fibers. The variant was present at heteroplasmy but level and tissue were not specified (PMID: 23847141). The second reported individual had chronic progressive external ophthalmoplegia (CPEO). Muscle biopsy showed ragged red fibers, and COX-negative fibers and the activities of complexes I and IV were reduced. The variant was present in vastus lateralis muscle at 19% heteroplasmy and 48% heteroplasmy in extraocular muscles (PMID: 30962064). This variant is absent in the GenBank dataset, Helix dataset, and gnomAD v3.1.2 (PM2_supporting). MitoTIP predicts the variant is possible benign (44.6 percentile) and HmtVAR predicts the variant is neutral (score of 0.05, BP4). Single fiber testing of vastus lateralis showed higher levels of the variant in COX-negative fibers (87.8% ± 5.7%, n=30) than in COX-positive fibers (11.0% ± 13%, n=27; p <0.0001; PS3_supporting, PMID: 30962064). This was also seen in extraocular muscles as there were higher levels of the variant in COX-negative fibers (86.0% ± 4.6%, n=20) than in COX-positive fibers (27.1% ± 27.2%, n=28; p < 0.0001). In summary, this variant meets criteria to be classified as uncertain significance for primary mitochondrial disease inherited in a mitochondrial manner. This classification was approved by the NICHD/NINDS U24 ClinGen Mitochondrial Disease Variant Curation Expert Panel on June 10, 2024. Mitochondrial DNA-specific ACMG/AMP criteria applied (PMID: 32906214): PS4_supporting, PM2_supporting, PS3_supporting, BP4.

Institute of Experimental Epileptology and Cognition Research, University of Bonn
Classification: Pathogenic for External ophthalmoplegia. Last evaluated: 2018-08-16. Review status: no assertion criteria provided. Collection method: research. Allele origin: maternal. Affected: yes. Not counted in ClinVar's aggregate classification.

Literature cited by the submitters: PubMed 30962064 (cited by ClinGen Mitochondrial Disease Nuclear and Mitochondrial  Variant Curation Expert Panel, ClinGen).

NC_012920.1(MT-TN):m.5667G>A

Gene: MT-TN (mitochondrially encoded tRNA asparagine; minus strand).
Variant type: single nucleotide variant.
Genome position: chrM-5667-G-A.
Identifiers: ClinVar variation 560167 (VCV000560167.4), dbSNP rs1569484022, ClinGen allele CA913180175.